The following is an entry in ClinVar:

ClinVar aggregate classification (germline): Uncertain significance (1 of 4 stars; one submission).

Conditions:
Hereditary sensory and autonomic neuropathy type 7. Also called: Neuropathy, hereditary sensory and autonomic, type VII; HSAN VII. Identifiers: Orphanet 391397, MedGen C3809882, MONDO:0014244, OMIM 615548.
Familial episodic pain syndrome with predominantly lower limb involvement. Also called: Episodic pain syndrome, familial, 3. Identifiers: Orphanet 391384, Orphanet 391392, MedGen C3809899, MONDO:0014247, OMIM 615552.

Allele frequency attached by ClinVar (database versions not stated): TOPMed below 0.00001; gnomAD 0.00001.
gnomAD v4.1: 1 of 1,602,552 alleles (0.000062%); highest among the groups gnomAD compares: Non-Finnish European, 0.000085%; no homozygotes.

Submission:

Labcorp Genetics (formerly Invitae), Labcorp
Classification: Uncertain significance for Familial episodic pain syndrome with predominantly lower limb involvement; Hereditary sensory and autonomic neuropathy type 7. Last evaluated: 2024-12-11. Review status: criteria provided, single submitter. Criteria: Invitae Variant Classification Sherloc (09022015). Collection method: clinical testing. Allele origin: germline.
Comment: This sequence change replaces lysine, which is basic and polar, with asparagine, which is neutral and polar, at codon 1343 of the SCN11A protein (p.Lys1343Asn). This variant is not present in population databases (gnomAD no frequency). This variant has not been reported in the literature in individuals affected with SCN11A-related conditions. ClinVar contains an entry for this variant (Variation ID: 2196476). Invitae Evidence Modeling of protein sequence and biophysical properties (such as structural, functional, and spatial information, amino acid conservation, physicochemical variation, residue mobility, and thermodynamic stability) has been performed for this missense variant. However, the output from this modeling did not meet the statistical confidence thresholds required to predict the impact of this variant on SCN11A protein function. In summary, the available evidence is currently insufficient to determine the role of this variant in disease. Therefore, it has been classified as a Variant of Uncertain Significance.

NM_001349253.2(SCN11A):c.4029A>T (p.Lys1343Asn)

Gene: SCN11A (sodium voltage-gated channel alpha subunit 11; minus strand). Cytogenetic location: 3p22.2.
Variant type: single nucleotide variant.
Coding change: c.4029A>T on transcript NM_001349253.2 (MANE Select); coding-DNA position 4029, A replaced by T.
Protein change: p.Lys1343Asn; replaces lysine 1343 with asparagine.
Molecular consequence: missense variant.
Genome position (GRCh38, 1-based): chr3:38,863,222, T>A on the plus strand (A>T on the coding strand, the complement: SCN11A is on the minus strand). VCF-style: chr3-38863222-T-A. GRCh37 (hg19) VCF-style: chr3-38904713-T-A.
Other names: c.4029A>T, p.Lys1343Asn (NM_014139.3); short protein forms K1343N.
Identifiers: ClinVar variation 2196476 (VCV002196476.4), dbSNP rs1477265915, ClinGen allele CA352167460.